The following is an entry in ClinVar:

ClinVar aggregate classification (germline): Benign. Review status: criteria provided, multiple submitters, no conflicts (2 of 4 stars). 16 submissions from 15 submitters: Benign (14). 2 of the submissions do not count toward it. Last evaluated 2026-02-04.

Conditions:
Hereditary cancer-predisposing syndrome. Also called: Tumor predisposition; Neoplastic Syndromes, Hereditary; Hereditary neoplastic syndrome; Hereditary Cancer Syndrome. Identifiers: Orphanet 140162, MedGen C0027672, MeSH D009386, MONDO:0015356.
Facial dysmorphism-immunodeficiency-livedo-short stature syndrome. Also called: Facial dysmorphism, immunodeficiency, livedo, and short stature; FILS syndrome. Identifiers: Orphanet 352712, MedGen C3554576, MONDO:0014058, OMIM 615139.
POLE-related polyposis and colorectal cancer syndrome. Identifiers: MedGen CN324030, MONDO:0100287.
Intrauterine growth retardation, metaphyseal dysplasia, adrenal hypoplasia congenita, genital anomalies, and immunodeficiency. Also called: IMAGEI SYNDROME. Identifiers: MedGen C5193036, MONDO:0032684, OMIM 618336.
Colorectal cancer, susceptibility to, 12 (CRCS12). Also called: COLORECTAL CANCER, SUSCEPTIBILITY TO, ON CHROMOSOME 12q24. Identifiers: Orphanet 220460, MedGen C3554460, MONDO:0014038, OMIM 615083.

Allele frequency attached by ClinVar (database versions not stated): 1000 Genomes Project 30x 0.37117; 1000 Genomes Project 0.37879; TOPMed 0.42290; gnomAD 0.43561 and 0.43566; gnomAD exomes 0.47935 and 0.52611; ExAC 0.49014.
gnomAD v4.1: 760,313 of 1,472,344 alleles (52%); highest among the groups gnomAD compares: Non-Finnish European, 55%; 201,346 homozygotes.

Submissions (16):

Labcorp Genetics (formerly Invitae), Labcorp
Classification: Benign. Last evaluated: 2026-02-04. Review status: criteria provided, single submitter. Criteria: Invitae Variant Classification Sherloc (09022015). Collection method: clinical testing. Allele origin: germline.

ARUP Laboratories, Molecular Genetics and Genomics, ARUP Laboratories
Classification: Benign. Last evaluated: 2025-07-30. Review status: criteria provided, single submitter. Criteria: ARUP Molecular Germline Variant Investigation Process 2024. Collection method: clinical testing. Allele origin: germline.

GeneKor MSA
Classification: Benign for Hereditary cancer-predisposing syndrome. Last evaluated: 2025-07-10. Review status: criteria provided, single submitter. Criteria: ACMG Guidelines, 2015. Collection method: clinical testing. Allele origin: germline.

Blueprint Genetics
Classification: Benign. Last evaluated: 2024-11-27. Review status: criteria provided, single submitter. Criteria: ACMG Guidelines, 2015. Collection method: clinical testing. Allele origin: germline.

KCCC/NGS Laboratory, Kuwait Cancer Control Center
Classification: Benign for Colorectal cancer, susceptibility to, 12. Last evaluated: 2023-07-07. Review status: criteria provided, single submitter. Criteria: ACMG Guidelines, 2015. Collection method: clinical testing. Allele origin: germline. Affected: yes.

Genome-Nilou Lab
Classification: Benign for Facial dysmorphism-immunodeficiency-livedo-short stature syndrome. Last evaluated: 2021-10-25. Review status: criteria provided, single submitter. Criteria: ACMG Guidelines, 2015. Collection method: clinical testing. Allele origin: germline. Affected: no.

Genome-Nilou Lab
Classification: Benign for Intrauterine growth retardation, metaphyseal dysplasia, adrenal hypoplasia congenita, genital anomalies, and immunodeficiency. Last evaluated: 2021-10-25. Review status: criteria provided, single submitter. Criteria: ACMG Guidelines, 2015. Collection method: clinical testing. Allele origin: germline. Affected: no.

Department of Pathology and Laboratory Medicine, Sinai Health System
Classification: Benign for POLE-related polyposis and colorectal cancer syndrome. Last evaluated: 2020-07-15. Review status: criteria provided, single submitter. Criteria: ACMG Guidelines, 2015. Collection method: clinical testing. Allele origin: germline. Affected: no.

PreventionGenetics, part of Exact Sciences
Classification: Benign. Last evaluated: 2016-10-03. Review status: criteria provided, single submitter. Criteria: ACMG Guidelines, 2015. Collection method: clinical testing. Allele origin: germline.

Women's Health and Genetics/Laboratory Corporation of America, LabCorp
Classification: Benign. Last evaluated: 2016-05-24. Review status: criteria provided, single submitter. Criteria: LabCorp Variant Classification Summary - May 2015. Collection method: clinical testing. Allele origin: germline.
Comment: Variant summary: The POLE c.62+15C>T intronic variant involves the alteration of a non-conserved nucleotide. One in silico tool predicts a benign outcome for this variant along with 5/5 splice site tools predicitng the variant not to have an impact on splicing. This variant was found in 5171/10550 control chromosomes (1292 homozygotes) at a frequency of 0.4901422, which greatly exceeds the estimated maximal expected allele frequency of a pathogenic POLE variant (0.0000142), suggesting this variant is likely a benign polymorphism. Taken together, this variant is classified as Benign.

Laboratory for Molecular Medicine, Mass General Brigham Personalized Medicine
Classification: Benign. Last evaluated: 2016-03-29. Review status: criteria provided, single submitter. Criteria: LMM Criteria. Collection method: clinical testing. Allele origin: germline.
Comment: Variant identified in a genome or exome case(s) and assessed due to predicted null impact of the variant or pathogenic assertions in the literature or databases. Disclaimer: This variant has not undergone full assessment. The following are preliminary notes: Frequency

GeneDx
Classification: Benign. Last evaluated: 2015-11-02. Review status: criteria provided, single submitter. Criteria: GeneDx Variant Classification (06012015). Collection method: clinical testing. Allele origin: germline. Affected: yes.
Comment: This variant is considered likely benign or benign based on one or more of the following criteria: it is a conservative change, it occurs at a poorly conserved position in the protein, it is predicted to be benign by multiple in silico algorithms, and/or has population frequency not consistent with disease.

Ambry Genetics
Classification: Benign for Hereditary cancer-predisposing syndrome. Last evaluated: 2015-05-19. Review status: criteria provided, single submitter. Criteria: Ambry Variant Classification Scheme 2023. Collection method: clinical testing. Allele origin: germline.

Breakthrough Genomics
Classification: Benign. Review status: criteria provided, single submitter. Criteria: ACMG Guidelines, 2015. Collection method: not provided. Allele origin: germline. Inheritance: Autosomal recessive inheritance. Affected: yes.

Clinical Genetics, Academic Medical Center
Classification: Benign. Review status: no assertion criteria provided. Collection method: clinical testing. Allele origin: germline. Affected: yes. Study: VKGL Data-share Consensus. Not counted in ClinVar's aggregate classification.

Joint Genome Diagnostic Labs from Nijmegen and Maastricht, Radboudumc and MUMC+
Classification: Benign. Review status: no assertion criteria provided. Collection method: clinical testing. Allele origin: germline. Affected: yes. Study: VKGL Data-share Consensus. Not counted in ClinVar's aggregate classification.

NM_006231.4(POLE):c.62+15C>T

Genes: POLE (DNA polymerase epsilon, catalytic subunit; minus strand), LOC130009266 (ATAC-STARR-seq lymphoblastoid silent region 5123; plus strand). Cytogenetic location: 12q24.33.
Variant type: single nucleotide variant.
Coding change: c.62+15C>T on transcript NM_006231.4 (MANE Select); 15 bases into the intron after coding-DNA position 62, C replaced by T.
Molecular consequence: intron variant.
Genome position (GRCh38, 1-based): chr12:132,687,239, G>A on the plus strand (C>T on the coding strand, the complement: POLE is on the minus strand). VCF-style: chr12-132687239-G-A. GRCh37 (hg19) VCF-style: chr12-133263825-G-A.
Identifiers: ClinVar variation 380208 (VCV000380208.41), dbSNP rs2075784, ClinGen allele CA6894467.